The following is an entry in ClinVar:

ClinVar aggregate classification (germline): Likely benign. Review status: criteria provided, multiple submitters, no conflicts (2 of 4 stars). 3 submissions from 3 submitters: Likely benign (2). 1 of the submissions does not count toward it. Last evaluated 2022-06-01.

Conditions:
CNTNAP5-related disorder. Also called: CNTNAP5-related condition.

Allele frequency attached by ClinVar (database versions not stated): ExAC 0.00049; gnomAD exomes 0.00060 and 0.00101; gnomAD 0.00068 and 0.00076; TOPMed 0.00080; ESP Exome Variant Server 0.00083; 1000 Genomes Project 0.00120; 1000 Genomes Project 30x 0.00156.
gnomAD v4.1: 1,601 of 1,612,176 alleles (0.099%); highest among the groups gnomAD compares: Non-Finnish European, 0.12%; 5 homozygotes.

Submissions (3):

CeGaT Center for Human Genetics Tuebingen
Classification: Likely benign. Last evaluated: 2022-06-01. Review status: criteria provided, single submitter. Criteria: CeGaT Center For Human Genetics Tuebingen Variant Classification Criteria Version 2. Collection method: clinical testing. Allele origin: germline. Affected: yes. Observed: 1 variant allele.
Comment: CNTNAP5: BP4, BP7

Labcorp Genetics (formerly Invitae), Labcorp
Classification: Likely benign. Last evaluated: 2018-03-30. Review status: criteria provided, single submitter. Criteria: Invitae Variant Classification Sherloc (09022015). Collection method: clinical testing. Allele origin: germline.

PreventionGenetics, part of Exact Sciences
Classification: Likely benign for CNTNAP5-related condition. Last evaluated: 2024-02-20. Review status: no assertion criteria provided. Collection method: clinical testing. Allele origin: germline. Not counted in ClinVar's aggregate classification.
Comment: This variant is classified as likely benign based on ACMG/AMP sequence variant interpretation guidelines (Richards et al. 2015 PMID: 25741868, with internal and published modifications).

NM_001367498.1(CNTNAP5):c.3894G>A (p.Val1298=)

Gene: CNTNAP5 (contactin associated protein family member 5; plus strand). Cytogenetic location: 2q14.3.
Variant type: single nucleotide variant.
Coding change: c.3894G>A on transcript NM_001367498.1 (MANE Select); coding-DNA position 3894, G replaced by A.
Protein change: p.Val1298=; no amino-acid change (valine 1298 retained).
Molecular consequence: synonymous variant.
Genome position (GRCh38, 1-based): chr2:124,914,258, G>A. VCF-style: chr2-124914258-G-A. GRCh37 (hg19) VCF-style: chr2-125671835-G-A.
Other names: c.3891G>A, p.Val1297= (NM_130773.4).
Identifiers: ClinVar variation 712361 (VCV000712361.28), dbSNP rs144162087, ClinGen allele CA1856561.
Genomic context (GRCh38, chr2:124,914,258, plus strand): 5'-GGAATATCCAGAAAATTTGGACAGTTCCTTCAGAAATGAAATTGACTTGCAAAACACAGT[G>A]AGCGAGTGTAAACGGGAATATTTCATCTGAGAAACTGCAGGGTTCCTACTACTCTTTTTT-3'
Protein context (NP_001354427.1, residues 1288-1307): FRNEIDLQNT[Val1298=]SECKREYFI